The following continues an entry in ClinVar:

NM_000342.4(SLC4A1):c.2573C>A (p.Ala858Asp)

Gene: SLC4A1. ClinVar aggregate classification (germline): Pathogenic/Likely pathogenic. Pathogenic (10); Likely pathogenic (2).

Submissions 10 to 17 of 17:

Victorian Clinical Genetics Services, Murdoch Childrens Research Institute
Classification: Pathogenic for Renal tubular acidosis, distal, 4, with hemolytic anemia. Last evaluated: 2023-07-16. Review status: criteria provided, single submitter. Criteria: ACMG Guidelines, 2015. Collection method: clinical testing. Allele origin: germline. Inheritance: Autosomal recessive inheritance. Affected: yes.
Comment: Based on the classification scheme VCGS_Germline_v1.3.4, this variant is classified as Pathogenic. Following criteria are met: 0103 - Dominant negative and loss of function are known mechanisms of disease in this gene and are associated with distal renal tubular acidosis 4 with haemolytic anaemia (MIM#611590), cryohydrocytosis (MIM#185020), distal renal tubular acidosis (MIM#1179800), ovalocytosis, SA type (MIM#166900) and hereditary spherocytosis (MIM#61265) (PMID: 27058983). (I) 0108 - This gene is associated with both recessive and dominant disease. Variants in this gene predominantly lead to autosomal dominant conditions, where biallelic variants result in the more severe phenotype, with no correlation in terms of variant types or location (PMID: 27058983). (I) 0200 - Variant is predicted to result in a missense amino acid change from alanine to aspartic acid. (I) 0252 - This variant is homozygous. (I) 0304 - Variant is present in gnomAD (v2) <0.01 (18 heterozygotes, 0 homozygotes). (SP) 0502 - Missense variant with conflicting in silico predictions and uninformative conservation. (I) 0604 - Variant is not located in an established domain, motif, hotspot or informative constraint region. (I) 0801 - This variant has strong previous evidence of pathogenicity in unrelated individuals. This variant has been reported as likely pathogenic and pathogenic, and observed in multiple homozygous and compound heterozygous individuals with distal renal tubular acidosis with haemolytic anaemia. Heterozygous individuals had hypochromia microcytosis and mild acanthocytosis (ClinVar, PMID: 22126643, PMID: 31959358). (SP) 1208 - Inheritance information for this variant is not currently available in this individual. (I) Legend: (SP) - Supporting pathogenic, (I) - Information, (SB) - Supporting benign

Laboratory of Cyto-molecular Genetics, Department of Anatomy, All India Institute of Medical Sciences (AIIMS), New Delhi
Classification: Pathogenic for Renal tubular acidosis, distal, 4, with hemolytic anemia. Last evaluated: 2022-03-07. Review status: criteria provided, single submitter. Criteria: ACMG Guidelines, 2015. Collection method: clinical testing. Allele origin: germline. Affected: yes. Observed: 4 variant alleles.
Comment: p.(Ala858Asp), missense variant

Genetics and Genomic Medicine Centre, NeuroGen Healthcare, NeuroGen Healthcare
Classification: Likely pathogenic for Renal tubular acidosis, distal, 4, with hemolytic anemia. Last evaluated: 2021-09-08. Review status: criteria provided, single submitter. Criteria: Submitter's publication. Collection method: clinical testing. Allele origin: unknown. Affected: no.

Kasturba Medical College, Manipal, Kasturba Medical College, Manipal, Manipal Academy of Higher Education, Manipal, India
Classification: Pathogenic for Renal tubular acidosis, distal, 4, with hemolytic anemia. Last evaluated: 2025-11-10. Review status: no assertion criteria provided. Collection method: clinical testing. Allele origin: unknown. Inheritance: Autosomal recessive inheritance. Affected: yes. Not counted in ClinVar's aggregate classification.
Comment: A known missense variant, c.2573C>A p. This variant is present in 43 individuals in heterozygous state and absent in homozygous state in the gnomAD (v4.1.0) population database. This variant has been reported in five individuals in heterozygous state and in four similarly affected individuals in homozygous state unrelated families in our in-house data of 3851 exomes. In silico analysis tools (MutationTaster, REVEL, CADD_phred, and MCAP) predict this variant to be damaging to the SLC4A1 protein function. The clinical features observed in the proband are in concordance with distal renal tubular acidosis 4 with hemolytic anemia. Thus, the above-mentioned variant in homozygous state is interpreted to be the likely cause for the condition observed in proband.

Department of Genetics, Sultan Qaboos University Hospital
Classification: Pathogenic for Renal tubular acidosis, distal, 4, with hemolytic anemia. Last evaluated: 2024-06-12. Review status: no assertion criteria provided. Collection method: curation. Allele origin: unknown. Affected: yes. Not counted in ClinVar's aggregate classification.

Yale Center for Mendelian Genomics, Yale University
Classification: Pathogenic for Distal renal tubular acidosis. Last evaluated: 2019-10-22. Review status: no assertion criteria provided. Collection method: literature only. Allele origin: germline. Affected: yes. Observed: 1 compound heterozygote. Study: Yale Center for Mendelian Genomics. Not counted in ClinVar's aggregate classification.

OMIM
Classification: Pathogenic for RENAL TUBULAR ACIDOSIS, DISTAL, 1. Last evaluated: 2012-04-01. Review status: no assertion criteria provided. Collection method: literature only. Allele origin: germline. Not counted in ClinVar's aggregate classification.

Hong-Tao Li Lab, Institute of Brain Science and Brain-inspired Research, Shandong First Medical University & Shandong Academy of Medical Sciences China
Classification: Pathogenic for Renal tubular acidosis, distal, 4, with hemolytic anemia. Review status: no assertion criteria provided. Collection method: research. Allele origin: germline. Inheritance: Autosomal recessive inheritance. Affected: yes. Observed: 1 variant allele, 1 homozygote. Not counted in ClinVar's aggregate classification.
Comment: Observed in affected individuals from a Pakistani neurodevelopmental-disorder research cohort of 263 individuals. Classification assigned using the ACMG/AMP framework. Population-frequency evidence: gnomAD AF 7.172e-05.

Literature cited by the submitters: PubMed 20151848 (cited by Labcorp Genetics (formerly Invitae), Labcorp and Rare Kidney Stone Consortium and the Mayo Clinic Hyperoxaluria Center, Mayo Clinic); PubMed 20799361 (cited by Labcorp Genetics (formerly Invitae), Labcorp and Rare Kidney Stone Consortium and the Mayo Clinic Hyperoxaluria Center, Mayo Clinic); PubMed 22126643 (cited by 6 submitters); PubMed 10926824 (cited by 4 submitters); PubMed 19289107 (cited by Labcorp Genetics (formerly Invitae), Labcorp and Rare Kidney Stone Consortium and the Mayo Clinic Hyperoxaluria Center, Mayo Clinic); PubMed 37448902 (cited by Rare Kidney Stone Consortium and the Mayo Clinic Hyperoxaluria Center, Mayo Clinic); PubMed 37464296 (cited by Rare Kidney Stone Consortium and the Mayo Clinic Hyperoxaluria Center, Mayo Clinic); PubMed 35738466 (cited by Rare Kidney Stone Consortium and the Mayo Clinic Hyperoxaluria Center, Mayo Clinic and Laboratory of Cyto-molecular Genetics, Department of Anatomy, All India Institute of Medical Sciences (AIIMS), New Delhi); PubMed 33068675 (cited by Rare Kidney Stone Consortium and the Mayo Clinic Hyperoxaluria Center, Mayo Clinic); PubMed 34805638 (cited by Rare Kidney Stone Consortium and the Mayo Clinic Hyperoxaluria Center, Mayo Clinic); PubMed 31959358 (cited by 3 submitters); PubMed 17941824 (cited by Rare Kidney Stone Consortium and the Mayo Clinic Hyperoxaluria Center, Mayo Clinic); PubMed 16849697 (cited by Rare Kidney Stone Consortium and the Mayo Clinic Hyperoxaluria Center, Mayo Clinic); PubMed 27058983 (cited by Victorian Clinical Genetics Services, Murdoch Childrens Research Institute).